The following is an entry in ClinVar:

NM_001375524.1(TRRAP):c.1570_1578dup (p.Pro526_Phe527insValProPro)

Gene: TRRAP (transformation/transcription domain associated protein; plus strand). Cytogenetic location: 7q22.1.
Variant type: Duplication.
Coding change: c.1570_1578dup on transcript NM_001375524.1 (MANE Select); coding-DNA positions 1570 to 1578, 9 bases duplicated (GTGCCTCCC; older notation c.1570_1578dupGTGCCTCCC).
Protein change: p.Pro526_Phe527insValProPro.
Molecular consequence: inframe insertion.
Genome position (GRCh38, 1-based): chr7:98,910,275-98,910,283, GTGCCTCCC duplicated; duplicating any 9 consecutive bases within chr7:98,910,272-98,910,283 gives the same sequence; the c. name uses the placement nearest the transcript's 3' end. VCF-style (leftmost placement, unchanged base first): chr7-98910271-C-CCCCGTGCCT. GRCh37 (hg19) VCF-style: chr7-98507894-C-CCCCGTGCCT.
Other names: c.1570_1578dup, p.Pro526_Phe527insValProPro (NM_001244580.2, NM_003496.4).
Identifiers: ClinVar variation 2444498 (VCV002444498.5), dbSNP rs1554408505, ClinGen allele CA576708756.

ClinVar aggregate classification (germline): Uncertain significance. Review status: criteria provided, single submitter (1 of 4 stars). 2 submissions from 2 submitters: Uncertain significance (1). 1 of the submissions does not count toward it. Last evaluated 2025-04-21.

Conditions:
Developmental delay with or without dysmorphic facies and autism. Identifiers: MedGen C5193106, MONDO:0032760, OMIM 618454.

Submissions (2):

Labcorp Genetics (formerly Invitae), Labcorp
Classification: Uncertain significance. Last evaluated: 2025-04-21. Review status: criteria provided, single submitter. Criteria: Invitae Variant Classification Sherloc (09022015). Collection method: clinical testing. Allele origin: germline.
Comment: This variant, c.1570_1578dup, results in the insertion of 3 amino acid(s) of the TRRAP protein (p.Val524_Pro526dup), but otherwise preserves the integrity of the reading frame. The frequency data for this variant in the population databases is considered unreliable, as metrics indicate poor data quality at this position in the gnomAD database. This variant has not been reported in the literature in individuals affected with TRRAP-related conditions. ClinVar contains an entry for this variant (Variation ID: 2444498). Experimental studies and prediction algorithms are not available or were not evaluated, and the functional significance of this variant is currently unknown. In summary, the available evidence is currently insufficient to determine the role of this variant in disease. Therefore, it has been classified as a Variant of Uncertain Significance.

Institute of Human Genetics, University of Goettingen
Classification: Likely benign for Developmental delay with or without dysmorphic facies and autism. Last evaluated: 2022-11-28. Review status: no assertion criteria provided. Collection method: clinical testing. Allele origin: germline. Affected: yes. Observed: 1 heterozygote. Not counted in ClinVar's aggregate classification.
Comment: Developmental delay with or without dysmorphic facies and autism